The following continues an entry in ClinVar:

NM_004614.5(TK2):c.323C>T (p.Thr108Met)

Gene: TK2. ClinVar aggregate classification (germline): Pathogenic. Pathogenic (16).

Submissions 9 to 18 of 18:

Unidad de Genómica Garrahan, Hospital de Pediatría Garrahan
Classification: Pathogenic for Mitochondrial DNA depletion syndrome, myopathic form. Last evaluated: 2023-10-09. Review status: criteria provided, single submitter. Criteria: ACMG Guidelines, 2015. Collection method: clinical testing. Allele origin: unknown. Affected: yes.
Comment: The NM_004614:c.323C>T missense variant corresponds to a nucleotide change in a hot spot region in exon 5 of the TK2 gene, which predicts a change at protein level from threonine to methionine at position 108. This variant is found at low frequency in population databases (Genome Aggregation Database) and has multiple reports (ClinVar variation ID: 12710) as pathogenic. Bioinformatic algorithms predict it as deleterious (REVEL=0.85) in coincidence with functional studies described in the literature (PMID: 15639197). For these reasons, we have classified this variant as Pathogenic, according to the following ACMG criteria: PS3, PM1, PM2, PM3, PP3. (HPO: 0003202; 0001324; 0003200; 0003737; 0030059).

CeGaT Center for Human Genetics Tuebingen
Classification: Pathogenic. Last evaluated: 2023-09-01. Review status: criteria provided, single submitter. Criteria: CeGaT Center For Human Genetics Tuebingen Variant Classification Criteria Version 2. Collection method: clinical testing. Allele origin: germline. Affected: yes. Observed: 2 variant alleles.
Comment: TK2: PP4:Strong, PM1, PM2, PM3, PS3:Supporting

DECIPHERD-UDD, Universidad del Desarrollo
Classification: Pathogenic for Progressive external ophthalmoplegia with mitochondrial DNA deletions, autosomal recessive 3. Last evaluated: 2023-07-01. Review status: criteria provided, single submitter. Criteria: ACMG Guidelines, 2015. Collection method: research. Allele origin: maternal. Affected: yes.

Kariminejad - Najmabadi Pathology & Genetics Center
Classification: Pathogenic for Progressive external ophthalmoplegia with mitochondrial DNA deletions, autosomal recessive 3. Last evaluated: 2021-12-02. Review status: criteria provided, single submitter. Criteria: ACMG Guidelines, 2015. Collection method: clinical testing. Allele origin: germline. Inheritance: Autosomal recessive inheritance. Affected: yes.
Comment: [PM1, PM2, PP3, PP5-strong]

Illumina Laboratory Services, Illumina
Classification: Pathogenic for Mitochondrial DNA depletion syndrome, myopathic form. Last evaluated: 2019-09-11. Review status: criteria provided, single submitter. Criteria: ICSLVariantClassificationCriteria RUGD 01 April 2020. Collection method: clinical testing. Allele origin: unknown.
Comment: The TK2 c.323C>T (p.Thr108Met) variant is a missense variant. Across a selection of the available literature, this variant, also described as p.Thr77Met, has been reported in 12 individuals, including seven homozygotes and five compound heterozygotes, from nine families from varying ethnic backgrounds with myopathic mitochondrial DNA depletion syndrome (Mancuso et al. 2002; Mancuso et al. 2003; Wang et al. 2005; Oskoui et al. 2006; Behin et al. 2012; Paradas et al. 2013; Chanprasert et al. 2013; Martin-Hernandez et al. 2017). The clinical symptoms reported among these cases were diverse but generally included a period of normal development after birth followed by onset of myopathy with progression to respiratory failure and early death; however, a few individuals surviving to adulthood and showing slower disease progression are reported. The p.Thr108Met variant was absent from 120 control alleles and is reported at a frequency of 0.000226 in the Latino population of the Genome Aggregation Consortium. Wang et al. (2005) demonstrated that the p.Thr108Met variant enzyme had approximately 3-4% of the activity and approximately 0.5% of the efficiency of the wild type enzyme. Modeling of the TK2 enzyme showed that the Thr108 residue lies in helix four and is involved in active site formation, and an alteration at this residue could disrupt hydrogen bonding (Wang et al. 2005). Based on the collective evidence and application of the ACMG criteria, the p.Thr108Met variant is classified as pathogenic for TK2-related mitochondrial DNA depletion myopathy.

Baylor Genetics
Classification: Pathogenic for Mitochondrial DNA depletion syndrome, myopathic form. Last evaluated: 2019-06-19. Review status: criteria provided, single submitter. Criteria: ACMG Guidelines, 2015. Collection method: clinical testing. Allele origin: unknown. Affected: yes.
Comment: This variant was determined to be pathogenic according to ACMG Guidelines, 2015 [PMID:25741868].

Knight Diagnostic Laboratories, Oregon Health and Sciences University
Classification: Pathogenic for Mitochondrial DNA depletion syndrome, myopathic form. Last evaluated: 2015-12-04. Review status: criteria provided, single submitter. Criteria: ACMG Guidelines, 2015. Collection method: clinical testing. Allele origin: germline. Affected: no. Study: CSER-NextGen.
Comment: The c.323C>T (p.Thr108Met) missense variant in the TK2 gene has been previously reported in six affected individuals from three families with autosomal recessive Mitochondrial DNA depletion syndrome, and this variant was shown to segregate with disease within these families (Tritschler et al.,1992; Mancuso et al., 2002; Mancuso et al., 2005; Paradas et al., 2013). Affected individuals have harbored this missense variant in trans with other missense variants (H121N, R192K), an in-frame deletion (K202del), and a nonsense variant (Q125*). This variant is located in exon 5, a known mutational hotspot (Mancuso et al., 2003). This c.323C>T variant also lies within the Î±4 helix of TK2, which is important for enzyme dimerization and nucleoside recognition (Mancuso et al., 2003). Functional studies have shown this variant reduces protein expression, enzymatic activity, and catalytic efficiency of TK2 (Mancuso et al., 2002; Wang et al., 2005; Villarroya et al., 2009). In addition, this variant also leads to reduced enzymatic activity of mitochondrial respiratory chain complexes (complexes I, III, and IV) and reduced cytochrome-c oxidase activity (Mancuso et al., 2002; Mancuso et al., 2003). This variant is absent from two control population databases (Exome Sequencing Project [ESP] and 1000 Genomes) and present at a low frequency in a third control population database (ExAC = 0.009%). Multiple lines of computational evidence suggest a deleterious effect (GERP = 4.97; PolyPhen = 1; SIFT = 0.026), and reputable diagnostic laboratories have reported this variant as pathogenic. Therefore, this collective evidence supports the classification of the c.323C>T (p.Thr108Met) as a recessive Pathogenic variant for Mitochondrial DNA depletion syndrome.

Neuberg Centre For Genomic Medicine, NCGM
Classification: Pathogenic for Mitochondrial DNA depletion syndrome, myopathic form. Review status: criteria provided, single submitter. Criteria: ACMG Guidelines, 2015. Collection method: clinical testing. Allele origin: germline. Inheritance: Autosomal recessive inheritance. Affected: yes.
Comment: The missense variant c.323C>T p.Thr108Met in the TK2 gene has been reported previously in a compound heterozygous and homozygous state in individuals affected with mitochondrial DNA depletion syndrome. Functional studies have shown this variant reduces protein expression, enzymatic activity, and catalytic efficiency of TK2 Wang et al., 2005; Mancuso et al., 2003. This variant is reported with the allele frequency 0.004% in the gnomAD and novel in not in any individuals 1000 genome database. It is submitted to ClinVar as Pathogenic. The amino acid Threonine at position 108 is changed to a Methionine changing protein sequence and it might alter its composition and physico-chemical properties. The variant is predicted as damaging by SIFT. The amino acid change p.Thr108Met in TK2 is predicted as conserved by GERP++ and PhyloP across 100 vertebrates. For these reasons, this variant has been classified as Pathogenic.

OMIM
Classification: Pathogenic for MITOCHONDRIAL DNA DEPLETION SYNDROME 2 (MYOPATHIC TYPE). Last evaluated: 2013-01-29. Review status: no assertion criteria provided. Collection method: literature only. Allele origin: germline. Not counted in ClinVar's aggregate classification.

GeneReviews
No classification provided. Condition: Mitochondrial DNA depletion syndrome, myopathic form. Review status: no classification provided. Collection method: literature only. Allele origin: germline. Not counted in ClinVar's aggregate classification.

Literature cited by the submitters: PubMed 12391347 (cited by 5 submitters); PubMed 12873860 (cited by 5 submitters); PubMed 15639197 (cited by 7 submitters); PubMed 16908738 (cited by Labcorp Genetics (formerly Invitae), Labcorp and Illumina Laboratory Services, Illumina); PubMed 22345218 (cited by 3 submitters); PubMed 23303857 (cited by 3 submitters); PubMed 28812460 (cited by Labcorp Genetics (formerly Invitae), Labcorp and Illumina Laboratory Services, Illumina); PubMed 19265691 (cited by Labcorp Genetics (formerly Invitae), Labcorp); PubMed 24484525 (cited by Labcorp Genetics (formerly Invitae), Labcorp); PubMed 29602790 (cited by Genomenon, Inc); PubMed 31125140 (cited by Genomenon, Inc); PubMed 35907766 (cited by Genomenon, Inc); PubMed 31060578 (cited by Genomenon, Inc); PubMed 37377599 (cited by Genomenon, Inc); PubMed 25948719 (cited by Women's Health and Genetics/Laboratory Corporation of America, LabCorp); PubMed 38177409 (cited by DECIPHERD-UDD, Universidad del Desarrollo); PubMed 23932787 (cited by Illumina Laboratory Services, Illumina); PubMed 1734306 (cited by OMIM).